The following is an entry in ClinVar:

NM_004360.5(CDH1):c.1024A>T (p.Thr342Ser)

Gene: CDH1 (cadherin 1; plus strand). Cytogenetic location: 16q22.1.
Variant type: single nucleotide variant.
Coding change: c.1024A>T on transcript NM_004360.5 (MANE Select); coding-DNA position 1024, A replaced by T.
Protein change: p.Thr342Ser; replaces threonine 342 with serine.
Molecular consequence: missense variant. On other transcripts: 5 prime UTR variant (2).
Genome position (GRCh38, 1-based): chr16:68,812,150, A>T. VCF-style: chr16-68812150-A-T. GRCh37 (hg19) VCF-style: chr16-68846053-A-T.
Other names: c.1024A>T (LRG_301t1); c.1024A>T, p.Thr342Ser (NM_001317184.2); c.-592A>T (NM_001317185.2); c.-796A>T (NM_001317186.2); short protein forms T342S.
Identifiers: ClinVar variation 141870 (VCV000141870.23), dbSNP rs587782073, ClinGen allele CA166658.

ClinVar aggregate classification (germline): Conflicting classifications of pathogenicity. Review status: criteria provided, conflicting classifications (1 of 4 stars). 5 submissions from 5 submitters: Uncertain significance (4); Benign (1). Last evaluated 2026-07-30.

Conditions:
Hereditary cancer-predisposing syndrome. Also called: Neoplastic Syndromes, Hereditary; Hereditary Cancer Syndrome; Tumor predisposition; Hereditary neoplastic syndrome. Identifiers: Orphanet 140162, MedGen C0027672, MeSH D009386, MONDO:0015356.
Hereditary diffuse gastric adenocarcinoma (HDGC). Also called: DIFFUSE GASTRIC AND LOBULAR BREAST CANCER SYNDROME. Identifiers: Orphanet 26106, MedGen C1708349, MONDO:0007648, OMIM 137215.

Allele frequency attached by ClinVar (database versions not stated): TOPMed below 0.00001; gnomAD 0.00001.
gnomAD v4.1: 11 of 1,614,014 alleles (0.00068%); highest among the groups gnomAD compares: Non-Finnish European, 0.00093%; no homozygotes.

Submissions (5):

Ambry Genetics
Classification: Benign for Hereditary cancer-predisposing syndrome. Last evaluated: 2026-07-30. Review status: criteria provided, single submitter. Criteria: Ambry Variant Classification Scheme 2023. Collection method: clinical testing. Allele origin: germline.

Labcorp Genetics (formerly Invitae), Labcorp
Classification: Uncertain significance for Hereditary diffuse gastric adenocarcinoma. Last evaluated: 2026-01-12. Review status: criteria provided, single submitter. Criteria: Invitae Variant Classification Sherloc (09022015). Collection method: clinical testing. Allele origin: germline.
Comment: This sequence change replaces threonine, which is neutral and polar, with serine, which is neutral and polar, at codon 342 of the CDH1 protein (p.Thr342Ser). This variant is not present in population databases (gnomAD no frequency). This variant has not been reported in the literature in individuals affected with CDH1-related conditions. ClinVar contains an entry for this variant (Variation ID: 141870). An algorithm developed to predict the effect of missense changes on protein structure and function outputs the following: PolyPhen-2: "Benign". The serine amino acid residue is found in multiple mammalian species, which suggests that this missense change does not adversely affect protein function. In summary, the available evidence is currently insufficient to determine the role of this variant in disease. Therefore, it has been classified as a Variant of Uncertain Significance.

Color Diagnostics, LLC DBA Color Health
Classification: Uncertain significance for Hereditary cancer-predisposing syndrome. Last evaluated: 2025-07-21. Review status: criteria provided, single submitter. Criteria: ACMG Guidelines, 2015. Collection method: clinical testing. Allele origin: germline.
Comment: This missense variant replaces threonine with serine at codon 342 of the CDH1 protein. To our knowledge, functional studies have not been reported for this variant. This variant has not been reported in individuals affected with CDH1-related disorders in the literature. This variant has not been identified in the general population by the Genome Aggregation Database (gnomAD). The available evidence is insufficient to determine the role of this variant in disease conclusively. Therefore, this variant is classified as a Variant of Uncertain Significance.

Quest Diagnostics Nichols Institute San Juan Capistrano
Classification: Uncertain significance. Last evaluated: 2023-12-26. Review status: criteria provided, single submitter. Criteria: Quest Diagnostics criteria. Collection method: clinical testing. Allele origin: unknown.
Comment: The CDH1 c.1024A>T (p.Thr342Ser) variant has not been reported in individuals with CDH1-related conditions in the published literature. The frequency of this variant in the general population, 0.0000066 (1/152156 chromosomes (Genome Aggregation Database)), is uninformative in the assessment of its pathogenicity. Analysis of this variant using bioinformatics tools for the prediction of the effect of amino acid changes on protein structure and function yielded conflicting predictions that this variant is benign or damaging. Based on the available information, we are unable to determine the clinical significance of this variant.

GeneDx
Classification: Uncertain significance. Last evaluated: 2023-10-05. Review status: criteria provided, single submitter. Criteria: GeneDx Variant Classification Process June 2021. Collection method: clinical testing. Allele origin: germline. Affected: yes.
Comment: Not observed at significant frequency in large population cohorts (gnomAD); In silico analysis supports that this missense variant has a deleterious effect on protein structure/function; Has not been previously published as pathogenic or benign to our knowledge; This variant is associated with the following publications: (PMID: 15235021, 22850631)